The following is an entry in ClinVar:

NM_015922.3(NSDHL):c.664G>A (p.Gly222Ser)

Gene: NSDHL (NAD(P) dependent 3-beta-hydroxysteroid dehydrogenase NSDHL; plus strand). Cytogenetic location: Xq28.
Variant type: single nucleotide variant.
Coding change: c.664G>A on transcript NM_015922.3 (MANE Select); coding-DNA position 664, G replaced by A.
Protein change: p.Gly222Ser; replaces glycine 222 with serine.
Molecular consequence: missense variant.
Genome position (GRCh38, 1-based): chrX:152,865,939, G>A. VCF-style: chrX-152865939-G-A. GRCh37 (hg19) VCF-style: chrX-152034483-G-A.
Other names: c.664G>A, p.Gly222Ser (NM_001129765.2); short protein forms G222S.
Identifiers: ClinVar variation 3764229 (VCV003764229.1).

ClinVar aggregate classification (germline): Uncertain significance (1 of 4 stars; one submission).

gnomAD v4.1: 6 of 1,212,300 alleles (0.00049%); highest among the groups gnomAD compares: South Asian, 0.0035%; no homozygotes.

Submission:

GeneDx
Classification: Uncertain significance. Last evaluated: 2024-08-18. Review status: criteria provided, single submitter. Criteria: GeneDx Variant Classification Process June 2021. Collection method: clinical testing. Allele origin: germline. Affected: yes.
Comment: Not observed at significant frequency in large population cohorts (gnomAD); In silico analysis supports that this missense variant has a deleterious effect on protein structure/function; Has not been previously published as pathogenic or benign to our knowledge